The following is an entry in ClinVar:

NM_152383.5(DIS3L2):c.742A>G (p.Thr248Ala)

Gene: DIS3L2 (DIS3 like 3'-5' exoribonuclease 2; plus strand). Cytogenetic location: 2q37.1.
Variant type: single nucleotide variant.
Coding change: c.742A>G on transcript NM_152383.5 (MANE Select); coding-DNA position 742, A replaced by G.
Protein change: p.Thr248Ala; replaces threonine 248 with alanine.
Molecular consequence: missense variant. On other transcripts: non-coding transcript variant (1).
Genome position (GRCh38, 1-based): chr2:232,136,511, A>G. VCF-style: chr2-232136511-A-G. GRCh37 (hg19) VCF-style: chr2-233001221-A-G.
Other names: c.742A>G, p.Thr248Ala (NM_001257281.2); short protein forms T248A.
Identifiers: ClinVar variation 581239 (VCV000581239.8), dbSNP rs766947723, ClinGen allele CA2163937.

ClinVar aggregate classification (germline): Uncertain significance (1 of 4 stars; one submission).

Conditions:
Perlman syndrome (PRLMNS). Identifiers: Orphanet 2849, MedGen C0796113, MONDO:0009965, OMIM 267000.

Allele frequency attached by ClinVar (database versions not stated): gnomAD exomes below 0.00001 and 0.00001; ExAC 0.00001; gnomAD 0.00002; TOPMed 0.00002.
gnomAD v4.1: 29 of 1,613,970 alleles (0.0018%); highest among the groups gnomAD compares: South Asian, 0.0022%; no homozygotes.

Submission:

Labcorp Genetics (formerly Invitae), Labcorp
Classification: Uncertain significance for Perlman syndrome. Last evaluated: 2025-07-31. Review status: criteria provided, single submitter. Criteria: Invitae Variant Classification Sherloc (09022015). Collection method: clinical testing. Allele origin: germline.
Comment: This sequence change replaces threonine, which is neutral and polar, with alanine, which is neutral and non-polar, at codon 248 of the DIS3L2 protein (p.Thr248Ala). This variant is present in population databases (rs766947723, gnomAD 0.003%). This variant has not been reported in the literature in individuals affected with DIS3L2-related conditions. ClinVar contains an entry for this variant (Variation ID: 581239). Invitae Evidence Modeling of protein sequence and biophysical properties (such as structural, functional, and spatial information, amino acid conservation, physicochemical variation, residue mobility, and thermodynamic stability) indicates that this missense variant is not expected to disrupt DIS3L2 protein function with a negative predictive value of 80%. In summary, the available evidence is currently insufficient to determine the role of this variant in disease. Therefore, it has been classified as a Variant of Uncertain Significance.